The following is an entry in ClinVar:

NM_201384.3(PLEC):c.2035G>A (p.Gly679Arg)

Gene: PLEC (plectin; minus strand). Cytogenetic location: 8q24.3.
Variant type: single nucleotide variant.
Coding change: c.2035G>A on transcript NM_201384.3 (MANE Select); coding-DNA position 2035, G replaced by A.
Protein change: p.Gly679Arg; replaces glycine 679 with arginine.
Molecular consequence: missense variant.
Genome position (GRCh38, 1-based): chr8:143,932,177, C>T on the plus strand (G>A on the coding strand, the complement: PLEC is on the minus strand). VCF-style: chr8-143932177-C-T. GRCh37 (hg19) VCF-style: chr8-145006345-C-T.
Other names: c.2116G>A, p.Gly706Arg (NM_000445.5); c.1993G>A, p.Gly665Arg (NM_201378.4); c.1969G>A, p.Gly657Arg (NM_201379.3); c.2446G>A, p.Gly816Arg (NM_201380.4); c.1939G>A, p.Gly647Arg (NM_201381.3); c.2035G>A, p.Gly679Arg (NM_201382.4); c.2047G>A, p.Gly683Arg (NM_201383.3); c.2116G>A (NM_000445.3); short protein forms G647R, G657R, G665R, G679R, G683R, G706R, G816R.
Identifiers: ClinVar variation 500676 (VCV000500676.7), dbSNP rs1554716477, ClinGen allele CA372577411.
Genomic context (GRCh38, chr8:143,932,177, plus strand): 5'-CAGGGAGCCCCACCTCCACCGTGGGCCGGGCCGGGTGGTCCTCCCGCAGCAGCCGGTCCC[C>T]AGCATTTTGGAGCTCCTTGATCTTCTTCTCCTTCAGCTCCAGCTCCCGCATCAGCGCCTG-3'
Protein context (NP_958786.1, residues 669-689): EKKIKELQNA[Gly679Arg]DRLLREDHPA

ClinVar aggregate classification (germline): Uncertain significance. Review status: criteria provided, multiple submitters, no conflicts (2 of 4 stars). 2 submissions from 2 submitters: Uncertain significance (2). Last evaluated 2024-11-07.

Allele frequency attached by ClinVar (database versions not stated): gnomAD 0.00001; TOPMed 0.00001.
gnomAD v4.1: 2 of 1,612,180 alleles (0.00012%); highest among the groups gnomAD compares: African/African-American, 0.0027%; no homozygotes.

Submissions (2):

Athena Diagnostics
Classification: Uncertain significance. Last evaluated: 2024-11-07. Review status: criteria provided, single submitter. Criteria: Athena Diagnostics Criteria. Collection method: clinical testing. Allele origin: unknown.
Comment: Available data are insufficient to determine the clinical significance of the variant at this time. The frequency of this variant in the general population is uninformative in assessment of its pathogenicity. Polyphen and MutationTaster yielded discordant predictions regarding whether this amino acid change is damaging to the protein.

Eurofins Ntd Llc (ga)
Classification: Uncertain significance. Last evaluated: 2017-02-28. Review status: criteria provided, single submitter. Criteria: EGL Classification Definitions 2015. Collection method: clinical testing. Allele origin: germline. Observed: 1 variant allele, 1 heterozygote.